The following is an entry in ClinVar:

ClinVar aggregate classification (germline): Conflicting classifications of pathogenicity. Review status: criteria provided, conflicting classifications (1 of 4 stars). 6 submissions from 6 submitters: Uncertain significance (5); Likely benign (1). Last evaluated 2026-02-24.

Conditions:
CC2D2A-related disorder. Also called: CC2D2A-related condition; CC2D2A-related disorders. Identifiers: MedGen CN239313.
Meckel-Gruber syndrome. Also called: Dysencephalia splachnocystica; DYSENCEPHALIA SPLANCHNOCYSTICA; GRUBER SYNDROME. Identifiers: Orphanet 564, MedGen C0265215, MONDO:0018921.
Joubert syndrome. Also called: Familial aplasia of the vermis; JOUBERT-BOLTSHAUSER SYNDROME. Identifiers: Orphanet 475, MedGen C5979921, MONDO:0018772.

Allele frequency attached by ClinVar (database versions not stated): gnomAD exomes 0.00006 and 0.00011; ESP Exome Variant Server 0.00008; ExAC 0.00010; TOPMed 0.00013; gnomAD 0.00019 and 0.00023; 1000 Genomes Project 0.00100; 1000 Genomes Project 30x 0.00109.
gnomAD v4.1: 122 of 1,570,426 alleles (0.0078%); highest among the groups gnomAD compares: East Asian, 0.075%; 1 homozygote.

Submissions (6):

PreventionGenetics, part of Exact Sciences
Classification: Uncertain significance for CC2D2A-related condition. Last evaluated: 2026-02-24. Review status: criteria provided, single submitter. Criteria: ACMG Guidelines, 2015. Collection method: clinical testing. Allele origin: germline.
Comment: The CC2D2A c.2197G>A variant is predicted to result in the amino acid substitution p.Gly733Arg. This variant was reported in an individual with Joubert syndrome (Ying et al. 2022. PubMed ID: 35858853). This variant is reported in 0.083% of alleles in individuals of East Asian descent in gnomAD. At this time, the clinical significance of this variant is uncertain due to the absence of conclusive functional and genetic evidence.

Labcorp Genetics (formerly Invitae), Labcorp
Classification: Likely benign for Joubert syndrome; Meckel-Gruber syndrome. Last evaluated: 2026-01-27. Review status: criteria provided, single submitter. Criteria: Invitae Variant Classification Sherloc (09022015). Collection method: clinical testing. Allele origin: germline.

GeneDx
Classification: Uncertain significance. Last evaluated: 2023-11-10. Review status: criteria provided, single submitter. Criteria: GeneDx Variant Classification Process June 2021. Collection method: clinical testing. Allele origin: germline. Affected: yes.
Comment: Identified in a patient with a diagnosis of Joubert syndrome (PMID: 35858853); In silico analysis supports that this missense variant has a deleterious effect on protein structure/function; This variant is associated with the following publications: (PMID: 35858853)

Women's Health and Genetics/Laboratory Corporation of America, LabCorp
Classification: Uncertain significance. Last evaluated: 2023-07-12. Review status: criteria provided, single submitter. Criteria: LabCorp Variant Classification Summary - May 2015. Collection method: clinical testing. Allele origin: germline.
Comment: Variant summary: CC2D2A c.2197G>A (p.Gly733Arg) results in a non-conservative amino acid change located in the CC2D2A, N-terminal, C2 domain (IPR028928) of the encoded protein sequence. Three of five in-silico tools predict a damaging effect of the variant on protein function. The variant allele was found at a frequency of 0.00011 in 244526 control chromosomes (gnomAD). This frequency is not significantly higher than estimated for a pathogenic variant in CC2D2A causing Meckel Syndrome Type 6 (0.00011 vs 0.0011), allowing no conclusion about variant significance. c.2197G>A has been reported in the literature in an individual affected with Joubert Syndrome (example: Ying_2022). These report(s) do not provide unequivocal conclusions about association of the variant with Meckel Syndrome Type 6. To our knowledge, no experimental evidence demonstrating an impact on protein function has been reported. The following publication has been ascertained in the context of this evaluation (PMID: 35858853). Three submitters have cited clinical-significance assessments for this variant to ClinVar after 2014 and classified the variant as likely benign (n=1) and VUS (n=2). Based on the evidence outlined above, the variant was classified as uncertain significance.

Eurofins Ntd Llc (ga)
Classification: Uncertain significance. Last evaluated: 2017-11-09. Review status: criteria provided, single submitter. Criteria: EGL Classification Definitions 2015. Collection method: clinical testing. Allele origin: germline. Observed: 1 variant allele, 1 heterozygote.

Breakthrough Genomics
Classification: Uncertain significance. Review status: criteria provided, single submitter. Criteria: ACMG Guidelines, 2015. Collection method: not provided. Allele origin: germline. Inheritance: Autosomal recessive inheritance. Affected: yes.

Literature cited by the submitters: PubMed 35858853 (cited by Women's Health and Genetics/Laboratory Corporation of America, LabCorp).

NM_001378615.1(CC2D2A):c.2197G>A (p.Gly733Arg)

Genes: CC2D2A (coiled-coil and C2 domain containing 2A; plus strand), FBXL5 (F-box and leucine rich repeat protein 5; minus strand). Cytogenetic location: 4p15.32.
Variant type: single nucleotide variant.
Coding change: c.2197G>A on transcript NM_001378615.1 (MANE Select); coding-DNA position 2197, G replaced by A.
Protein change: p.Gly733Arg; replaces glycine 733 with arginine.
Molecular consequence: missense variant.
Genome position (GRCh38, 1-based): chr4:15,550,839, G>A. VCF-style: chr4-15550839-G-A. GRCh37 (hg19) VCF-style: chr4-15552462-G-A.
Other names: c.2197G>A, p.Gly733Arg (NM_001080522.2); c.2050G>A, p.Gly684Arg (NM_001378617.1); short protein forms G733R, G684R.
Identifiers: ClinVar variation 420966 (VCV000420966.20), dbSNP rs372259202, ClinGen allele CA2863866.